The following is an entry in ClinVar:

NM_004360.5(CDH1):c.1684A>T (p.Thr562Ser)

Gene: CDH1 (cadherin 1; plus strand). Cytogenetic location: 16q22.1.
Variant type: single nucleotide variant.
Coding change: c.1684A>T on transcript NM_004360.5 (MANE Select); coding-DNA position 1684, A replaced by T.
Protein change: p.Thr562Ser; replaces threonine 562 with serine.
Molecular consequence: missense variant. On other transcripts: intron variant (1).
Genome position (GRCh38, 1-based): chr16:68,819,398, A>T. VCF-style: chr16-68819398-A-T. GRCh37 (hg19) VCF-style: chr16-68853301-A-T.
Other names: c.1684A>T (LRG_301t1); c.1501A>T, p.Thr501Ser (NM_001317184.2); c.136A>T, p.Thr46Ser (NM_001317185.2); c.-254-2603A>T (NM_001317186.2); short protein forms T562S, T46S, T501S.
Identifiers: ClinVar variation 463727 (VCV000463727.23), dbSNP rs587782061, ClinGen allele CA396465371.

ClinVar aggregate classification (germline): Conflicting classifications of pathogenicity. Review status: criteria provided, conflicting classifications (1 of 4 stars). 6 submissions from 6 submitters: Uncertain significance (5); Likely benign (1). Last evaluated 2025-03-16.

Conditions:
CDH1-related diffuse gastric and lobular breast cancer syndrome. Also called: CDH1-related diffuse gastric and lobular breast cancer. Identifiers: MedGen CN311521, MONDO:0100488.
Hereditary cancer-predisposing syndrome. Also called: Hereditary neoplastic syndrome; Neoplastic Syndromes, Hereditary; Tumor predisposition; Hereditary Cancer Syndrome. Identifiers: Orphanet 140162, MedGen C0027672, MeSH D009386, MONDO:0015356.
Hereditary diffuse gastric adenocarcinoma (HDGC). Also called: DIFFUSE GASTRIC AND LOBULAR BREAST CANCER SYNDROME. Identifiers: Orphanet 26106, MedGen C1708349, MONDO:0007648, OMIM 137215.
Familial cancer of breast. Also called: BREAST CANCER, FAMILIAL; hereditary breast carcinoma; Hereditary breast cancer. Identifiers: Orphanet 227535, MedGen C0346153, MONDO:0016419, OMIM 114480. Disease mechanism: loss of function.

Allele frequency attached by ClinVar (database versions not stated): gnomAD 0.00003.
gnomAD v4.1: 4 of 1,613,816 alleles (0.00025%); highest among the groups gnomAD compares: South Asian, 0.0022%; no homozygotes.

Submissions (6):

Labcorp Genetics (formerly Invitae), Labcorp
Classification: Uncertain significance for Hereditary diffuse gastric adenocarcinoma. Last evaluated: 2025-03-16. Review status: criteria provided, single submitter. Criteria: Invitae Variant Classification Sherloc (09022015). Collection method: clinical testing. Allele origin: germline.
Comment: This sequence change replaces threonine, which is neutral and polar, with serine, which is neutral and polar, at codon 562 of the CDH1 protein (p.Thr562Ser). This variant is present in population databases (no rsID available, gnomAD 0.007%). This variant has not been reported in the literature in individuals affected with CDH1-related conditions. ClinVar contains an entry for this variant (Variation ID: 463727). An algorithm developed to predict the effect of missense changes on protein structure and function (PolyPhen-2) suggests that this variant is likely to be tolerated. In summary, the available evidence is currently insufficient to determine the role of this variant in disease. Therefore, it has been classified as a Variant of Uncertain Significance.

Ambry Genetics
Classification: Likely benign for Hereditary cancer-predisposing syndrome. Last evaluated: 2024-08-28. Review status: criteria provided, single submitter. Criteria: Ambry Variant Classification Scheme 2023. Collection method: clinical testing. Allele origin: germline.

Department of Pathology and Laboratory Medicine, Sinai Health System
Classification: Uncertain significance for CDH1-related diffuse gastric and lobular breast cancer syndrome. Last evaluated: 2024-07-08. Review status: criteria provided, single submitter. Criteria: ACMG Guidelines, 2015. Collection method: clinical testing. Allele origin: germline.

Color Diagnostics, LLC DBA Color Health
Classification: Uncertain significance for Hereditary cancer-predisposing syndrome. Last evaluated: 2023-12-04. Review status: criteria provided, single submitter. Criteria: ACMG Guidelines, 2015. Collection method: clinical testing. Allele origin: germline.
Comment: This missense variant replaces threonine with serine at codon 562 of the CDH1 protein. To our knowledge, functional studies have not been reported for this variant. This variant has not been reported in individuals affected with hereditary cancer in the literature. This variant has been identified in 2/282888 chromosomes in the general population by the Genome Aggregation Database (gnomAD). The available evidence is insufficient to determine the role of this variant in disease conclusively. Therefore, this variant is classified as a Variant of Uncertain Significance.

KCCC/NGS Laboratory, Kuwait Cancer Control Center
Classification: Uncertain significance for Familial cancer of breast. Last evaluated: 2023-07-07. Review status: criteria provided, single submitter. Criteria: ACMG Guidelines, 2015. Collection method: clinical testing. Allele origin: unknown. Affected: yes.
Comment: This sequence change replaces threonine with serine at codon 562 of the CDH1 protein (p.Thr562Ser). This variant is not present in population databases (ExAC no frequency). This variant has not been reported in the literature in individuals with CDH1-related disease. In-silico predictions show benign computational verdict based on 11 benign predictions from BayesDel_addAF, DANN, DEOGEN2, EIGEN, LIST-S2, M-CAP, MVP, MutationAssessor, MutationTaster, PrimateAI and SIFT vs 1 pathogenic prediction from FATHMM-MKL and the position is not strongly conserved. Therefore, it has been classified as a Variant of Uncertain Significance.

GeneDx
Classification: Uncertain significance. Last evaluated: 2019-04-25. Review status: criteria provided, single submitter. Criteria: GeneDx Variant Classification Process June 2021. Collection method: clinical testing. Allele origin: germline. Affected: yes.
Comment: Not observed at a significant frequency in large population cohorts (Lek et al., 2016); Has not been previously published as pathogenic or benign to our knowledge